The following is an entry in ClinVar:

ClinVar aggregate classification (germline): Uncertain significance (1 of 4 stars; one submission).

Conditions:
Nephronophthisis. Also called: Juvenile Nephronophthisis. Identifiers: Orphanet 655, MedGen C0687120, MONDO:0019005, HP:0000090.

Submission:

Labcorp Genetics (formerly Invitae), Labcorp
Classification: Uncertain significance for Nephronophthisis. Last evaluated: 2024-07-08. Review status: criteria provided, single submitter. Criteria: Invitae Variant Classification Sherloc (09022015). Collection method: clinical testing. Allele origin: germline.
Comment: This sequence change creates a premature translational stop signal (p.His1304Leufs*102) in the NPHP4 gene. While this is not anticipated to result in nonsense mediated decay, it is expected to disrupt the last 123 amino acid(s) of the NPHP4 protein. This variant is not present in population databases (gnomAD no frequency). This variant has not been reported in the literature in individuals affected with NPHP4-related conditions. In summary, the available evidence is currently insufficient to determine the role of this variant in disease. Therefore, it has been classified as a Variant of Uncertain Significance.

NM_015102.5(NPHP4):c.3911del (p.His1304fs)

Gene: NPHP4 (nephrocystin 4; minus strand). Cytogenetic location: 1p36.31.
Variant type: Deletion.
Coding change: c.3911del on transcript NM_015102.5 (MANE Select); coding-DNA position 3911, one base deleted (A; older notation c.3911delA).
Protein change: p.His1304fs; shifts the reading frame from histidine 1304.
Molecular consequence: frameshift variant. On other transcripts: non-coding transcript variant (1).
Genome position (GRCh38, 1-based): chr1:5,864,423, T deleted on the plus strand (A on the coding strand, the reverse complement: NPHP4 is on the minus strand). VCF-style (leftmost placement, unchanged base first): chr1-5864422-AT-A. GRCh37 (hg19) VCF-style: chr1-5924482-AT-A.
Other names: c.2372del, p.His791fs (NM_001291593.2); c.2375del, p.His792fs (NM_001291594.2); short protein forms H792fs, H791fs, H1304fs.
Identifiers: ClinVar variation 3668396 (VCV003668396.2).